The following is an entry in ClinVar:

NM_174936.4(PCSK9):c.1371C>G (p.Cys457Trp)

Gene: PCSK9 (proprotein convertase subtilisin/kexin type 9; plus strand). Cytogenetic location: 1p32.3.
Variant type: single nucleotide variant.
Coding change: c.1371C>G on transcript NM_174936.4 (MANE Select); coding-DNA position 1371, C replaced by G.
Protein change: p.Cys457Trp; replaces cysteine 457 with tryptophan.
Molecular consequence: missense variant.
Genome position (GRCh38, 1-based): chr1:55,058,515, C>G. VCF-style: chr1-55058515-C-G. GRCh37 (hg19) VCF-style: chr1-55524188-C-G.
Other names: c.1494C>G, p.Cys498Trp (NM_001407240.1); c.1371C>G, p.Cys457Trp (NM_001407241.1); c.1374C>G, p.Cys458Trp (NM_001407242.1); c.1314C>G, p.Cys438Trp (NM_001407243.1); c.1197C>G, p.Cys399Trp (NM_001407244.1); c.1179C>G, p.Cys393Trp (NM_001407245.1); c.996C>G, p.Cys332Trp (NM_001407246.1); short protein forms C457W, C393W, C438W, C332W, C458W, C399W, C498W.
Identifiers: ClinVar variation 918314 (VCV000918314.10), dbSNP rs771108863, ClinGen allele CA340478574.
Genomic context (GRCh38, chr1:55,058,515, plus strand): 5'-CCTCACTCCCAGCACCCCCTCCTCATCCCAGGCCCTTTTTGCAGGTTGGCAGCTGTTTTG[C>G]AGGACTGTATGGTCAGCACACTCGGGGCCTACACGGATGGCCACAGCCGTCGCCCGCTGC-3'
Protein context (NP_777596.2, residues 447-467): STHGAGWQLF[Cys457Trp]RTVWSAHSGP

ClinVar aggregate classification (germline): Uncertain significance. Review status: criteria provided, multiple submitters, no conflicts (2 of 4 stars). 4 submissions from 4 submitters: Uncertain significance (4). Last evaluated 2025-06-11.

Conditions:
Cardiovascular phenotype. Identifiers: MedGen CN230736.
Familial hypercholesterolemia. Also called: Familial hypercholesterolemias; Familial hypercholesterolaemia. Identifiers: MedGen C0020445, MONDO:0005439.
Hypercholesterolemia, autosomal dominant, 3 (FHCL3). Also called: Familial hypercholesterolemia 3; Familial Hypercholesterolemia, Autosomal Dominant, 3; PCSK9-Related Familial Hypercholesterolemia, Autosomal Dominant. Identifiers: MedGen C1863551, MONDO:0011369, OMIM 603776.

Allele frequency attached by ClinVar (database versions not stated): gnomAD exomes below 0.00001; TOPMed below 0.00001; gnomAD 0.00001.
gnomAD v4.1: 3 of 1,612,078 alleles (0.00019%); highest among the groups gnomAD compares: Non-Finnish European, 0.00025%; no homozygotes.

Submissions (4):

GeneDx
Classification: Uncertain significance. Last evaluated: 2025-06-11. Review status: criteria provided, single submitter. Criteria: GeneDx Variant Classification Process June 2021. Collection method: clinical testing. Allele origin: germline. Affected: yes.
Comment: Not observed at significant frequency in large population cohorts (gnomAD); In silico analysis supports that this missense variant has a deleterious effect on protein structure/function; Has not been previously published as pathogenic or benign to our knowledge

Color Diagnostics, LLC DBA Color Health
Classification: Uncertain significance for Familial hypercholesterolemia. Last evaluated: 2023-12-05. Review status: criteria provided, single submitter. Criteria: ACMG Guidelines, 2015. Collection method: clinical testing. Allele origin: germline.
Comment: Variant of Uncertain Significance due to insufficient evidence: This missense variant is located in the C-terminal CM1 domain of the PCSK9 protein. Computational prediction tools and conservation analyses are inconclusive regarding the impact of this variant on the protein function. Computational splicing tools suggest that this variant may not impact RNA splicing. To our knowledge, functional assays have not been performed for this variant nor has this variant been reported in individuals affected with familial hypercholesterolemia in the literature. This variant has been identified in 1/246206 chromosomes in the general population by the Genome Aggregation Database (gnomAD). Available evidence is insufficient to determine the pathogenicity of this variant conclusively.

Ambry Genetics
Classification: Uncertain significance for Cardiovascular phenotype. Last evaluated: 2023-03-26. Review status: criteria provided, single submitter. Criteria: Ambry Variant Classification Scheme 2023. Collection method: clinical testing. Allele origin: germline.
Comment: The p.C457W variant (also known as c.1371C>G), located in coding exon 9 of the PCSK9 gene, results from a C to G substitution at nucleotide position 1371. The cysteine at codon 457 is replaced by tryptophan, an amino acid with highly dissimilar properties. This amino acid position is conserved. In addition, the in silico prediction for this alteration is inconclusive. Since supporting evidence is limited at this time, the clinical significance of this alteration remains unclear.

Labcorp Genetics (formerly Invitae), Labcorp
Classification: Uncertain significance for Hypercholesterolemia, autosomal dominant, 3. Last evaluated: 2022-06-21. Review status: criteria provided, single submitter. Criteria: Invitae Variant Classification Sherloc (09022015). Collection method: clinical testing. Allele origin: germline.
Comment: This sequence change replaces cysteine, which is neutral and slightly polar, with tryptophan, which is neutral and slightly polar, at codon 457 of the PCSK9 protein (p.Cys457Trp). This variant is present in population databases (no rsID available, gnomAD 0.0009%). This variant has not been reported in the literature in individuals affected with PCSK9-related conditions. ClinVar contains an entry for this variant (Variation ID: 918314). Algorithms developed to predict the effect of missense changes on protein structure and function are either unavailable or do not agree on the potential impact of this missense change (SIFT: "Deleterious"; PolyPhen-2: "Probably Damaging"; Align-GVGD: "Class C15"). In summary, the available evidence is currently insufficient to determine the role of this variant in disease. Therefore, it has been classified as a Variant of Uncertain Significance.